The following is an entry in ClinVar:

ClinVar aggregate classification (germline): Uncertain significance. Review status: criteria provided, multiple submitters, no conflicts (2 of 4 stars). 2 submissions from 2 submitters: Uncertain significance (2). Last evaluated 2026-01-27.

Conditions:
Inborn genetic diseases. Identifiers: MedGen C0950123, MeSH D030342.

Allele frequency attached by ClinVar (database versions not stated): gnomAD exomes below 0.00001.
gnomAD v4.1: 1 of 1,614,072 alleles (0.000062%); highest among the groups gnomAD compares: Non-Finnish European, 0.000085%; no homozygotes.

Submissions (2):

Labcorp Genetics (formerly Invitae), Labcorp
Classification: Uncertain significance. Last evaluated: 2026-01-27. Review status: criteria provided, single submitter. Criteria: Invitae Variant Classification Sherloc (09022015). Collection method: clinical testing. Allele origin: germline.
Comment: This sequence change replaces proline, which is neutral and non-polar, with leucine, which is neutral and non-polar, at codon 1730 of the ATR protein (p.Pro1730Leu). This variant is not present in population databases (gnomAD no frequency). This variant has not been reported in the literature in individuals affected with ATR-related conditions. ClinVar contains an entry for this variant (Variation ID: 1745895). An algorithm developed to predict the effect of missense changes on protein structure and function (PolyPhen-2) suggests that this variant is likely to be tolerated. In summary, the available evidence is currently insufficient to determine the role of this variant in disease. Therefore, it has been classified as a Variant of Uncertain Significance.

Ambry Genetics
Classification: Uncertain significance for Inborn genetic diseases. Last evaluated: 2022-01-28. Review status: criteria provided, single submitter. Criteria: Ambry Variant Classification Scheme 2023. Collection method: clinical testing. Allele origin: germline.
Comment: The p.P1730L variant (also known as c.5189C>T), located in coding exon 29 of the ATR gene, results from a C to T substitution at nucleotide position 5189. The proline at codon 1730 is replaced by leucine, an amino acid with similar properties. This amino acid position is conserved. In addition, the in silico prediction for this alteration is inconclusive. Since supporting evidence is limited at this time, the clinical significance of this alteration remains unclear.

NM_001184.4(ATR):c.5189C>T (p.Pro1730Leu)

Gene: ATR (ATR checkpoint kinase; minus strand). Cytogenetic location: 3q23.
Variant type: single nucleotide variant.
Coding change: c.5189C>T on transcript NM_001184.4 (MANE Select); coding-DNA position 5189, C replaced by T.
Protein change: p.Pro1730Leu; replaces proline 1730 with leucine.
Molecular consequence: missense variant.
Genome position (GRCh38, 1-based): chr3:142,505,146, G>A on the plus strand (C>T on the coding strand, the complement: ATR is on the minus strand). VCF-style: chr3-142505146-G-A. GRCh37 (hg19) VCF-style: chr3-142223988-G-A.
Other names: c.4997C>T, p.Pro1666Leu (NM_001354579.2); short protein forms P1666L, P1730L.
Identifiers: ClinVar variation 1745895 (VCV001745895.7), dbSNP rs769649094, ClinGen allele CA354819598.